The following is an entry in ClinVar:

NM_005499.3(UBA2):c.735del (p.Lys245fs)

Gene: UBA2 (ubiquitin like modifier activating enzyme 2; plus strand). Cytogenetic location: 19q13.11.
Variant type: Deletion.
Coding change: c.735del on transcript NM_005499.3 (MANE Select); coding-DNA position 735, one base deleted (A; older notation c.735delA).
Protein change: p.Lys245fs; shifts the reading frame from lysine 245.
Molecular consequence: frameshift variant.
Genome position (GRCh38, 1-based): chr19:34,445,085, A deleted; the last of 3 consecutive A bases (chr19:34,445,083-34,445,085); deleting any one gives the same sequence. VCF-style (leftmost placement, unchanged base first): chr19-34445082-TA-T. GRCh37 (hg19) VCF-style: chr19-34935987-TA-T.
Other names: c.447del, p.Lys149fs (NM_001411139.1); short protein forms K149fs, K245fs.
Identifiers: ClinVar variation 5001055 (VCV005001055.1).
Genomic context (GRCh38, chr19:34,445,082, plus strand): 5'-CAGAGCTAGAGCATCTAATGAAGATGGTGACATTAAACGTATTTCTACTAAGGAATGGGC[TA>T]AATCAACTGGATATGATCCAGTTAAACTTTTTACCAAGGTTAGATTTACTTTTTTTATAA-3'

ClinVar aggregate classification (germline): Likely pathogenic (1 of 4 stars; one submission).

Conditions:
UBA2-related disorder.

Submission:

PreventionGenetics, part of Exact Sciences
Classification: Likely pathogenic for UBA2-related condition. Last evaluated: 2025-01-13. Review status: criteria provided, single submitter. Criteria: ACMG Guidelines, 2015. Collection method: clinical testing. Allele origin: germline.
Comment: The UBA2 c.735delA variant is predicted to result in a frameshift and premature protein termination (p.Lys245Asnfs*23). To our knowledge, this variant has not been reported in the literature or in a large population database (gnomAD), indicating this variant is rare. Frameshift variants in UBA2 are expected to be pathogenic. This variant is interpreted as likely pathogenic.